The following is an entry in ClinVar:

ClinVar aggregate classification (germline): Uncertain significance (1 of 4 stars; one submission).

gnomAD v4.1: 2 of 1,613,120 alleles (0.00012%); highest among the groups gnomAD compares: Admixed American, 0.0033%; no homozygotes.

Submission:

Labcorp Genetics (formerly Invitae), Labcorp
Classification: Uncertain significance. Last evaluated: 2025-02-23. Review status: criteria provided, single submitter. Criteria: Invitae Variant Classification Sherloc (09022015). Collection method: clinical testing. Allele origin: germline.
Comment: This sequence change replaces arginine, which is basic and polar, with serine, which is neutral and polar, at codon 476 of the ITSN2 protein (p.Arg476Ser). This variant is present in population databases (no rsID available, gnomAD 0.006%). This variant has not been reported in the literature in individuals affected with ITSN2-related conditions. Experimental studies and prediction algorithms are not available or were not evaluated, and the functional significance of this variant is currently unknown. In summary, the available evidence is currently insufficient to determine the role of this variant in disease. Therefore, it has been classified as a Variant of Uncertain Significance.

NM_006277.3(ITSN2):c.1428A>C (p.Arg476Ser)

Gene: ITSN2 (intersectin 2; minus strand). Cytogenetic location: 2p23.3.
Variant type: single nucleotide variant.
Coding change: c.1428A>C on transcript NM_006277.3 (MANE Select); coding-DNA position 1428, A replaced by C.
Protein change: p.Arg476Ser; replaces arginine 476 with serine.
Molecular consequence: missense variant.
Genome position (GRCh38, 1-based): chr2:24,298,731, T>G on the plus strand (A>C on the coding strand, the complement: ITSN2 is on the minus strand). VCF-style: chr2-24298731-T-G. GRCh37 (hg19) VCF-style: chr2-24521600-T-G.
Other names: c.1386A>C, p.Arg462Ser (NM_001348184.2, NM_001348181.2); c.1428A>C, p.Arg476Ser (NM_001348185.2, NM_001348186.2, NM_019595.4 and 3 more transcripts); short protein forms R462S, R476S.
Identifiers: ClinVar variation 4780193 (VCV004780193.1).
Genomic context (GRCh38, chr2:24,298,731, plus strand): 5'-TTCCAACTCAAGATGAAGATTCTTCTTTTTAGAGTTTAACCTGACAATTTCTTCTTGTTC[T>G]CTATTCTTTTGATTGAGAAGCTCCTGTCGCCGAATTCTCTCCCATTCTAAGCGACGTTGT-3'
Protein context (NP_006268.2, residues 466-486): RRQELLNQKN[Arg476Ser]EQEEIVRLNS